The following is an entry in ClinVar:

ClinVar aggregate classification (germline): Uncertain significance (1 of 4 stars; one submission).

Conditions:
Nemaline myopathy 10 (NEM10). Identifiers: MedGen C4015360, MONDO:0014513, OMIM 616165.

Submission:

Labcorp Genetics (formerly Invitae), Labcorp
Classification: Uncertain significance for Nemaline myopathy 10. Last evaluated: 2020-07-22. Review status: criteria provided, single submitter. Criteria: Invitae Variant Classification Sherloc (09022015). Collection method: clinical testing. Allele origin: germline.
Comment: This variant has not been reported in the literature in individuals with LMOD3-related conditions. The frequency data for this variant in the population databases is considered unreliable, as metrics indicate poor data quality at this position in the ExAC database. This variant, c.49_51del, results in the deletion of 1 amino acid(s) of the LMOD3 protein (p.Glu17del), but otherwise preserves the integrity of the reading frame. Experimental studies and prediction algorithms are not available or were not evaluated, and the functional significance of this variant is currently unknown. In summary, the available evidence is currently insufficient to determine the role of this variant in disease. Therefore, it has been classified as a Variant of Uncertain Significance.

NM_198271.5(LMOD3):c.46GAG[1] (p.Glu17del)

Genes: LMOD3 (leiomodin 3; minus strand), LOC126806710 (CDK7 strongly-dependent group 2 enhancer GRCh37_chr3:69170601-69171800; plus strand). Cytogenetic location: 3p14.1.
Variant type: Microsatellite.
Coding change: c.46GAG[1] on transcript NM_198271.5 (MANE Select); one copy of the 3-base unit GAG starting at c.46; the reference has two copies in a row; one copy, 3 bases deleted.
Protein change: p.Glu17del; deletes glutamic acid 17.
Molecular consequence: inframe deletion.
Genome position (GRCh38, 1-based): chr3:69,122,336-69,122,338, CTC deleted on the plus strand (GAG on the coding strand, the reverse complement: LMOD3 is on the minus strand); deleting any 3 consecutive bases within chr3:69,122,336-69,122,341 gives the same sequence; the position shown is the placement nearest the transcript's 3' end. VCF-style (leftmost placement, unchanged base first): chr3-69122335-TCTC-T. GRCh37 (hg19) VCF-style: chr3-69171486-TCTC-T.
Other names: c.46GAG[1], p.Glu17del (NM_001304418.3); short protein forms E17del.
Identifiers: ClinVar variation 1020427 (VCV001020427.5), dbSNP rs770015687, ClinGen allele CA2489089.